The following is an entry in ClinVar:

NM_000368.5(TSC1):c.509-15G>C

Gene: TSC1 (TSC complex subunit 1; minus strand). Cytogenetic location: 9q34.13.
Variant type: single nucleotide variant.
Coding change: c.509-15G>C on transcript NM_000368.5 (MANE Select); 15 bases into the intron before coding-DNA position 509, G replaced by C.
Molecular consequence: intron variant.
Genome position (GRCh38, 1-based): chr9:132,921,988, C>G on the plus strand (G>C on the coding strand, the complement: TSC1 is on the minus strand). VCF-style: chr9-132921988-C-G. GRCh37 (hg19) VCF-style: chr9-135797375-C-G.
Other names: c.146-15G>C (NM_001406620.1, NM_001406618.1, NM_001406625.1 and 10 more transcripts); c.356-15G>C (NM_001406613.1, NM_001406612.1, NM_001406610.1 and 2 more transcripts); c.-369-15G>C (NM_001406627.1, NM_001406628.1, NM_001406626.1); c.-511-15G>C (NM_001406629.1); c.509-15G>C (NM_001406603.1, NM_001406609.1, NM_001406597.1 and 16 more transcripts); c.-585-15G>C (NM_001406630.1).
Identifiers: ClinVar variation 4071179 (VCV004071179.2).
Genomic context (GRCh38, chr9:132,921,988, plus strand): 5'-TACACACTGGCATGGAGATGGACGAGATAGACTTCCGCCACGTGGCCTAGAAAAGGAACC[C>G]GTTGAGAAGAGCCTCTTAGTTGGAGACAGATTGAGGAGTGCAAAACAGCTATAAACAAGT-3'

ClinVar aggregate classification (germline): Likely benign. Review status: criteria provided, multiple submitters, no conflicts (2 of 4 stars). 2 submissions from 2 submitters: Likely benign (2). Last evaluated 2025-07-14.

Conditions:
Tuberous sclerosis 1 (TSC1). Identifiers: Orphanet 805, MedGen C1854465, MONDO:0008612, OMIM 191100.

Submissions (2):

Labcorp Genetics (formerly Invitae), Labcorp
Classification: Likely benign for Tuberous sclerosis 1. Last evaluated: 2025-07-14. Review status: criteria provided, single submitter. Criteria: Invitae Variant Classification Sherloc (09022015). Collection method: clinical testing. Allele origin: germline.

Myriad Genetics, Inc.
Classification: Likely benign for Tuberous sclerosis 1. Last evaluated: 2025-04-08. Review status: criteria provided, single submitter. Criteria: Myriad Autosomal Dominant, Autosomal Recessive and X-Linked Classification Criteria (2023). Collection method: clinical testing. Allele origin: unknown.
Comment: This variant is considered likely benign. This variant is intronic and is not expected to impact mRNA splicing.